The following is an entry in ClinVar:

NM_198129.4(LAMA3):c.4999-2A>C

Gene: LAMA3 (laminin subunit alpha 3; plus strand). Cytogenetic location: 18q11.2.
Variant type: single nucleotide variant.
Coding change: c.4999-2A>C on transcript NM_198129.4 (MANE Select); the canonical splice acceptor site of the intron before coding-DNA position 4999, A replaced by C.
Molecular consequence: splice acceptor variant.
Genome position (GRCh38, 1-based): chr18:23,876,292, A>C. VCF-style: chr18-23876292-A-C. GRCh37 (hg19) VCF-style: chr18-21456256-A-C.
Other names: c.4999-2A>C (NM_001127717.4); c.172-2A>C (NM_000227.6, NM_001127718.4).
Identifiers: ClinVar variation 1520249 (VCV001520249.8), dbSNP rs761269065, ClinGen allele CA8915860.

ClinVar aggregate classification (germline): Likely pathogenic (1 of 4 stars; one submission).

Allele frequency attached by ClinVar (database versions not stated): gnomAD exomes below 0.00001; ExAC 0.00001; gnomAD 0.00001; TOPMed 0.00001.
gnomAD v4.1: 1 of 1,602,020 alleles (0.000062%); highest among the groups gnomAD compares: Non-Finnish European, 0.000086%; no homozygotes.

Submission:

Labcorp Genetics (formerly Invitae), Labcorp
Classification: Likely pathogenic. Last evaluated: 2023-05-31. Review status: criteria provided, single submitter. Criteria: Invitae Variant Classification Sherloc (09022015). Collection method: clinical testing. Allele origin: germline.
Comment: In summary, the currently available evidence indicates that the variant is pathogenic, but additional data are needed to prove that conclusively. Therefore, this variant has been classified as Likely Pathogenic. This sequence change affects an acceptor splice site in intron 1 of the LAMA3 gene. It is expected to disrupt RNA splicing. Variants that disrupt the donor or acceptor splice site typically lead to a loss of protein function (PMID: 16199547), and loss-of-function variants in LAMA3 are known to be pathogenic (PMID: 10366601, 11810295, 12915477, 16473856, 17362460, 22434185, 23869449, 27827380, 28087116). This variant is present in population databases (rs761269065, gnomAD 0.0009%). This variant has not been reported in the literature in individuals affected with LAMA3-related conditions. ClinVar contains an entry for this variant (Variation ID: 1520249). Algorithms developed to predict the effect of sequence changes on RNA splicing suggest that this variant may disrupt the consensus splice site.

Literature cited by the submitters: PubMed 16199547; PubMed 10366601; PubMed 11810295; PubMed 12915477; PubMed 16473856; PubMed 17362460; PubMed 22434185; PubMed 23869449; PubMed 27827380; PubMed 28087116.